The following is an entry in ClinVar:

ClinVar aggregate classification (germline): Uncertain significance. Review status: criteria provided, multiple submitters, no conflicts (2 of 4 stars). 2 submissions from 2 submitters: Uncertain significance (2). Last evaluated 2024-05-21.

Conditions:
IL6ST-related disorder. Also called: IL6ST-related condition.

Allele frequency attached by ClinVar (database versions not stated): gnomAD 0.00001.

Submissions (2):

Labcorp Genetics (formerly Invitae), Labcorp
Classification: Uncertain significance. Last evaluated: 2024-05-21. Review status: criteria provided, single submitter. Criteria: Invitae Variant Classification Sherloc (09022015). Collection method: clinical testing. Allele origin: germline.
Comment: This sequence change replaces glutamine, which is neutral and polar, with arginine, which is basic and polar, at codon 817 of the IL6ST protein (p.Gln817Arg). This variant is not present in population databases (gnomAD no frequency). This variant has not been reported in the literature in individuals affected with IL6ST-related conditions. ClinVar contains an entry for this variant (Variation ID: 2636459). An algorithm developed to predict the effect of missense changes on protein structure and function (PolyPhen-2) suggests that this variant is likely to be disruptive. In summary, the available evidence is currently insufficient to determine the role of this variant in disease. Therefore, it has been classified as a Variant of Uncertain Significance.

PreventionGenetics, part of Exact Sciences
Classification: Uncertain significance for IL6ST-related condition. Last evaluated: 2022-10-12. Review status: criteria provided, single submitter. Criteria: ACMG Guidelines, 2015. Collection method: clinical testing. Allele origin: germline.
Comment: The IL6ST c.2450A>G variant is predicted to result in the amino acid substitution p.Gln817Arg. To our knowledge, this variant has not been reported in the literature or in a large population database, indicating this variant is rare. At this time, the clinical significance of this variant is uncertain due to the absence of conclusive functional and genetic evidence.

NM_002184.4(IL6ST):c.2450A>G (p.Gln817Arg)

Gene: IL6ST (interleukin 6 cytokine family signal transducer; minus strand). Cytogenetic location: 5q11.2.
Variant type: single nucleotide variant.
Coding change: c.2450A>G on transcript NM_002184.4 (MANE Select); coding-DNA position 2450, A replaced by G.
Protein change: p.Gln817Arg; replaces glutamine 817 with arginine.
Molecular consequence: missense variant. On other transcripts: 3 prime UTR variant (1), non-coding transcript variant (2).
Genome position (GRCh38, 1-based): chr5:55,941,389, T>C on the plus strand (A>G on the coding strand, the complement: IL6ST is on the minus strand). VCF-style: chr5-55941389-T-C. GRCh37 (hg19) VCF-style: chr5-55237217-T-C.
Other names: c.2267A>G, p.Gln756Arg (NM_001190981.2); c.2348A>G, p.Gln783Arg (NM_001364275.2); c.2240A>G, p.Gln747Arg (NM_001364276.2); c.1583A>G, p.Gln528Arg (NM_001364277.2); c.1547A>G, p.Gln516Arg (NM_001364278.2); c.1454A>G, p.Gln485Arg (NM_001364279.2); c.*1377A>G (NM_175767.3); short protein forms Q485R, Q516R, Q528R, Q747R, Q756R, Q783R, Q817R.
Identifiers: ClinVar variation 2636459 (VCV002636459.4), dbSNP rs1750901665, ClinGen allele CA359778242.